The following is an entry in ClinVar:

NM_003070.5(SMARCA2):c.176C>T (p.Thr59Met)

Gene: SMARCA2 (SWI/SNF related BAF chromatin remodeling complex subunit ATPase 2; plus strand). Cytogenetic location: 9p24.3.
Variant type: single nucleotide variant.
Coding change: c.176C>T on transcript NM_003070.5 (MANE Select); coding-DNA position 176, C replaced by T.
Protein change: p.Thr59Met; replaces threonine 59 with methionine.
Molecular consequence: missense variant.
Genome position (GRCh38, 1-based): chr9:2,029,198, C>T. VCF-style: chr9-2029198-C-T. GRCh37 (hg19) VCF-style: chr9-2029198-C-T.
Other names: c.176C>T, p.Thr59Met (NM_001289396.2, NM_001289397.2, NM_139045.4); short protein forms T59M.
Identifiers: ClinVar variation 3383724 (VCV003383724.3).
Genomic context (GRCh38, chr9:2,029,198, plus strand): 5'-CCGTCCACAGCATGATGGGGCCAAGTCCTGGACCTCCAAGTGTCTCCCATCCTATGCCGA[C>T]GATGGGGTCCACAGACTTCCCACAGGAAGGCATGCATCAAATGCATAAGGTAAGAGTTTG-3'
Protein context (NP_003061.3, residues 49-69): GPPSVSHPMP[Thr59Met]MGSTDFPQEG

ClinVar aggregate classification (germline): Conflicting classifications of pathogenicity. Review status: criteria provided, conflicting classifications (1 of 4 stars). 2 submissions from 2 submitters: Uncertain significance (1); Likely benign (1). Last evaluated 2024-10-27.

gnomAD v4.1: 37 of 1,613,360 alleles (0.0023%); highest among the groups gnomAD compares: Middle Eastern, 0.017%; no homozygotes.

Submissions (2):

Labcorp Genetics (formerly Invitae), Labcorp
Classification: Likely benign. Last evaluated: 2024-10-27. Review status: criteria provided, single submitter. Criteria: Invitae Variant Classification Sherloc (09022015). Collection method: clinical testing. Allele origin: germline.

GeneDx
Classification: Uncertain significance. Last evaluated: 2024-05-28. Review status: criteria provided, single submitter. Criteria: GeneDx Variant Classification Process June 2021. Collection method: clinical testing. Allele origin: germline. Affected: yes.
Comment: In silico analysis supports that this missense variant has a deleterious effect on protein structure/function; Has not been previously published as pathogenic or benign to our knowledge